The following is an entry in ClinVar:

ClinVar aggregate classification (germline): Conflicting classifications of pathogenicity. Review status: criteria provided, conflicting classifications (1 of 4 stars). 2 submissions from 2 submitters: Pathogenic (1); Uncertain significance (1). Last evaluated 2025-03-17.

Conditions:
Cone-rod dystrophy 18 (CORD18). Identifiers: Orphanet 1872, MedGen C3809299, MONDO:0014153, OMIM 615374.

Allele frequency attached by ClinVar (database versions not stated): gnomAD exomes below 0.00001 and 0.00001; ExAC 0.00001; gnomAD 0.00001.
gnomAD v4.1: 7 of 1,612,154 alleles (0.00043%); highest among the groups gnomAD compares: Middle Eastern, 0.016%; no homozygotes.

Submissions (2):

Labcorp Genetics (formerly Invitae), Labcorp
Classification: Pathogenic. Last evaluated: 2025-03-17. Review status: criteria provided, single submitter. Criteria: Invitae Variant Classification Sherloc (09022015). Collection method: clinical testing. Allele origin: germline.
Comment: This sequence change creates a premature translational stop signal (p.Glu203*) in the RAB28 gene. It is expected to result in an absent or disrupted protein product. Loss-of-function variants in RAB28 are known to be pathogenic (PMID: 23746546, 25356532, 27529348). This variant is present in population databases (rs748297852, gnomAD 0.006%). This variant has not been reported in the literature in individuals affected with RAB28-related conditions. ClinVar contains an entry for this variant (Variation ID: 933988). Algorithms developed to predict the effect of sequence changes on RNA splicing suggest that this variant may disrupt the consensus splice site. For these reasons, this variant has been classified as Pathogenic.

Department of Pathology and Laboratory Medicine, Sinai Health System
Classification: Uncertain significance for Cone-rod dystrophy 18. Last evaluated: 2023-06-13. Review status: criteria provided, single submitter. Criteria: ACMG Guidelines, 2015. Collection method: research. Allele origin: germline.

Literature cited by the submitters: PubMed 23746546 (cited by Labcorp Genetics (formerly Invitae), Labcorp); PubMed 25356532 (cited by Labcorp Genetics (formerly Invitae), Labcorp); PubMed 27529348 (cited by Labcorp Genetics (formerly Invitae), Labcorp).

NM_004249.4(RAB28):c.607G>T (p.Glu203Ter)

Gene: RAB28 (RAB28, member RAS oncogene family; minus strand). Cytogenetic location: 4p15.33.
Variant type: single nucleotide variant.
Coding change: c.607G>T on transcript NM_004249.4 (MANE Plus Clinical); coding-DNA position 607, G replaced by T.
Protein change: p.Glu203Ter; replaces glutamic acid 203 with a stop codon.
Molecular consequence: nonsense. On other transcripts: intron variant (2).
Genome position (GRCh38, 1-based): chr4:13,369,932, C>A on the plus strand (G>T on the coding strand, the complement: RAB28 is on the minus strand). VCF-style: chr4-13369932-C-A. GRCh37 (hg19) VCF-style: chr4-13371556-C-A.
Other names: c.574-1282G>T (NM_001017979.3); c.*32-1282G>T (NM_001159601.2); short protein forms E203*.
Identifiers: ClinVar variation 933988 (VCV000933988.8), dbSNP rs748297852, ClinGen allele CA2859988.